The following is an entry in ClinVar:

NM_004656.4(BAP1):c.580+1G>A

Gene: BAP1 (BRCA1 associated deubiquitinase 1; minus strand). Cytogenetic location: 3p21.1.
Variant type: single nucleotide variant.
Coding change: c.580+1G>A on transcript NM_004656.4 (MANE Select); the canonical splice donor site of the intron after coding-DNA position 580, G replaced by A.
Molecular consequence: splice donor variant.
Genome position (GRCh38, 1-based): chr3:52,407,173, C>T on the plus strand (G>A on the coding strand, the complement: BAP1 is on the minus strand). VCF-style: chr3-52407173-C-T. GRCh37 (hg19) VCF-style: chr3-52441189-C-T.
Other names: c.580+1G>A (NM_001410772.1).
Identifiers: ClinVar variation 472704 (VCV000472704.5), dbSNP rs1553645785, ClinGen allele CA353109327.

ClinVar aggregate classification (germline): Likely pathogenic (1 of 4 stars; one submission).

Conditions:
BAP1-related tumor predisposition syndrome (TPDS1). Also called: Tumor susceptibility linked to germline BAP1 mutations; COMMON Syndrome; TUMOR PREDISPOSITION SYNDROME 1; BAP1 tumor predisposition syndrome. Identifiers: Orphanet 289539, MedGen C3280492, MONDO:0013692, OMIM 614327.

Submission:

Labcorp Genetics (formerly Invitae), Labcorp
Classification: Likely pathogenic for BAP1-related tumor predisposition syndrome. Last evaluated: 2017-03-28. Review status: criteria provided, single submitter. Criteria: Invitae Variant Classification Sherloc (09022015). Collection method: clinical testing. Allele origin: germline.
Comment: In summary, donor and acceptor splice site variants are typically loss-of-function (PMID: 16199547), and loss-of-function variants in BAP1 are known to be pathogenic (PMID: 23684012, 21874000). However, without additional functional and/or genetic data, this variant has been classified as Likely Pathogenic. This variant has not been reported in the literature in individuals with a BAP1-related disease. This sequence change affects a donor splice site in intron 7 of the BAP1 gene. It is expected to disrupt RNA splicing and likely results in an absent or disrupted protein product.

Literature cited by the submitters: PubMed 16199547; PubMed 23684012; PubMed 21874000.